The following is an entry in ClinVar:

ClinVar aggregate classification (germline): Uncertain significance (1 of 4 stars; one submission).

Conditions:
Periodic fever-infantile enterocolitis-autoinflammatory syndrome. Also called: Autoinflammation with infantile enterocolitis. Identifiers: Orphanet 436166, MedGen C4015067, MONDO:0014472, OMIM 616050.
Familial cold autoinflammatory syndrome 4 (FCAS4). Identifiers: Orphanet 47045, Orphanet 576349, MedGen C4015276, MONDO:0014498, OMIM 616115.

Allele frequency attached by ClinVar (database versions not stated): TOPMed below 0.00001.

Submission:

Labcorp Genetics (formerly Invitae), Labcorp
Classification: Uncertain significance for Periodic fever-infantile enterocolitis-autoinflammatory syndrome; Familial cold autoinflammatory syndrome 4. Last evaluated: 2023-12-06. Review status: criteria provided, single submitter. Criteria: Invitae Variant Classification Sherloc (09022015). Collection method: clinical testing. Allele origin: germline.
Comment: This sequence change replaces valine, which is neutral and non-polar, with methionine, which is neutral and non-polar, at codon 990 of the NLRC4 protein (p.Val990Met). This variant is not present in population databases (gnomAD no frequency). This variant has not been reported in the literature in individuals affected with NLRC4-related conditions. ClinVar contains an entry for this variant (Variation ID: 580615). Advanced modeling of protein sequence and biophysical properties (such as structural, functional, and spatial information, amino acid conservation, physicochemical variation, residue mobility, and thermodynamic stability) performed at Invitae indicates that this missense variant is not expected to disrupt NLRC4 protein function with a negative predictive value of 80%. In summary, the available evidence is currently insufficient to determine the role of this variant in disease. Therefore, it has been classified as a Variant of Uncertain Significance.

NM_001199138.2(NLRC4):c.2968G>A (p.Val990Met)

Gene: NLRC4 (NLR family CARD domain containing 4; minus strand). Cytogenetic location: 2p22.3.
Variant type: single nucleotide variant.
Coding change: c.2968G>A on transcript NM_001199138.2 (MANE Select); coding-DNA position 2968, G replaced by A.
Protein change: p.Val990Met; replaces valine 990 with methionine.
Molecular consequence: missense variant.
Genome position (GRCh38, 1-based): chr2:32,224,580, C>T on the plus strand (G>A on the coding strand, the complement: NLRC4 is on the minus strand). VCF-style: chr2-32224580-C-T. GRCh37 (hg19) VCF-style: chr2-32449649-C-T.
Other names: c.2968G>A, p.Val990Met (NM_001199139.2, NM_021209.5); c.973G>A, p.Val325Met (NM_001302504.2); short protein forms V990M, V325M.
Identifiers: ClinVar variation 580615 (VCV000580615.5), dbSNP rs1558441930, ClinGen allele CA346519221.